The following is an entry in ClinVar:

NM_001374736.1(DST):c.4142+4T>C

Gene: DST (dystonin; minus strand). Cytogenetic location: 6p12.1.
Variant type: single nucleotide variant.
Coding change: c.4142+4T>C on transcript NM_001374736.1 (MANE Select); 4 bases into the intron after coding-DNA position 4142, T replaced by C.
Molecular consequence: intron variant.
Genome position (GRCh38, 1-based): chr6:56,631,207, A>G on the plus strand (T>C on the coding strand, the complement: DST is on the minus strand). VCF-style: chr6-56631207-A-G. GRCh37 (hg19) VCF-style: chr6-56496005-A-G.
Other names: c.4043+4T>C (NM_001144769.5); c.4142+4T>C (NM_001374722.1); c.4169+4T>C (NM_001374734.1); c.3629+4T>C (NM_001144770.2); c.3509+4T>C (NM_001374730.1, NM_001386100.1, NM_183380.4 and 1 more transcripts); c.2531+4T>C (NM_015548.5, NM_001723.7).
Identifiers: ClinVar variation 1354656 (VCV001354656.6), dbSNP rs202054385, ClinGen allele CA3870973.

ClinVar aggregate classification (germline): Uncertain significance. Review status: criteria provided, multiple submitters, no conflicts (2 of 4 stars). 2 submissions from 2 submitters: Uncertain significance (2). Last evaluated 2021-06-17.

Conditions:
Inborn genetic diseases. Identifiers: MedGen C0950123, MeSH D030342.
Epidermolysis bullosa simplex 3, localized or generalized intermediate, with BP230 deficiency (EBS3). Also called: Epidermolysis bullosa simplex due to BP230 deficiency; Epidermolysis bullosa simplex, autosomal recessive 2. Identifiers: Orphanet 412181, MedGen C3809470, MONDO:0014180, OMIM 615425.
Hereditary sensory and autonomic neuropathy type 6. Also called: HSAN VI; Neuropathy, hereditary sensory and autonomic, type VI. Identifiers: Orphanet 314381, MedGen C3539003, MONDO:0013839, OMIM 614653.

Allele frequency attached by ClinVar (database versions not stated): ExAC 0.00002; gnomAD 0.00002; gnomAD exomes 0.00002 and 0.00003; TOPMed 0.00003; ESP Exome Variant Server 0.00008.
gnomAD v4.1: 52 of 1,595,140 alleles (0.0033%); highest among the groups gnomAD compares: Middle Eastern, 0.017%; no homozygotes.

Submissions (2):

Labcorp Genetics (formerly Invitae), Labcorp
Classification: Uncertain significance for Epidermolysis bullosa simplex 3, localized or generalized intermediate, with BP230 deficiency; Hereditary sensory and autonomic neuropathy type 6. Last evaluated: 2021-06-17. Review status: criteria provided, single submitter. Criteria: Invitae Variant Classification Sherloc (09022015). Collection method: clinical testing. Allele origin: germline.
Comment: In summary, the available evidence is currently insufficient to determine the role of this variant in disease. Therefore, it has been classified as a Variant of Uncertain Significance. Nucleotide substitutions within the consensus splice site are a relatively common cause of aberrant splicing (PMID: 17576681, 9536098). Algorithms developed to predict the effect of sequence changes on RNA splicing suggest that this variant is not likely to affect RNA splicing. This variant has not been reported in the literature in individuals affected with DST-related conditions. This variant is present in population databases (rs202054385, ExAC 0.009%). This sequence change falls in intron 16 of the DST gene. It does not directly change the encoded amino acid sequence of the DST protein. It affects a nucleotide within the consensus splice site of the intron.

Ambry Genetics
Classification: Uncertain significance for Inborn genetic diseases. Last evaluated: 2020-09-09. Review status: criteria provided, single submitter. Criteria: Ambry Variant Classification Scheme 2023. Collection method: clinical testing. Allele origin: germline.
Comment: The c.4043+4T>C intronic variant results from a T to C substitution 4 nucleotides after coding exon 29 in the DST gene. This nucleotide position is not well conserved in available vertebrate species. In silico splice site analysis predicts that this alteration will not have any significant effect on splicing. Since supporting evidence is limited at this time, the clinical significance of this alteration remains unclear.

Literature cited by the submitters: PubMed 17576681 (cited by Labcorp Genetics (formerly Invitae), Labcorp); PubMed 9536098 (cited by Labcorp Genetics (formerly Invitae), Labcorp).